The following is an entry in ClinVar:

ClinVar aggregate classification (germline): Pathogenic. Review status: criteria provided, multiple submitters, no conflicts (2 of 4 stars). 2 submissions from 2 submitters: Pathogenic (2). Last evaluated 2024-08-19.

Conditions:
Ehlers-Danlos syndrome, classic type, 1 (EDSCL1). Also called: EHLERS-DANLOS SYNDROME, GRAVIS TYPE; EHLERS-DANLOS SYNDROME, SEVERE CLASSIC TYPE; EDS I; Ehlers-Danlos Syndrome, Classic Type, COL5A1-Related; Ehlers-Danlos syndrome, type 1. Identifiers: MedGen C0268335, MONDO:0019567, OMIM 130000.
Osteogenesis imperfecta type I (OI1). Also called: OI, TYPE I; OSTEOGENESIS IMPERFECTA TARDA; OSTEOGENESIS IMPERFECTA WITH BLUE SCLERAE; Classic Non-deforming Osteogenesis Imperfecta with Blue Sclerae; Lobstein disease; Osteogenesis imperfecta type 1. Identifiers: Orphanet 216796, Orphanet 666, MedGen C0023931, MONDO:0008146, OMIM 166200. Disease mechanism: loss of function.

Submissions (2):

Labcorp Genetics (formerly Invitae), Labcorp
Classification: Pathogenic for Osteogenesis imperfecta type I; Ehlers-Danlos syndrome, classic type, 1. Last evaluated: 2024-08-19. Review status: criteria provided, single submitter. Criteria: Invitae Variant Classification Sherloc (09022015). Collection method: clinical testing. Allele origin: germline.
Comment: This sequence change affects a donor splice site in intron 25 of the COL1A2 gene. It is expected to disrupt RNA splicing. Variants that disrupt the donor or acceptor splice site typically lead to a loss of protein function (PMID: 16199547), and loss-of-function variants in COL1A2 are known to be pathogenic (PMID: 11288717, 15077201). This variant is not present in population databases (gnomAD no frequency). Disruption of this splice site has been observed in individuals with autosomal dominant osteogenesis imperfecta (Internal data). It has also been observed to segregate with disease in related individuals. ClinVar contains an entry for this variant (Variation ID: 456807). Algorithms developed to predict the effect of sequence changes on RNA splicing suggest that this variant may disrupt the consensus splice site. For these reasons, this variant has been classified as Pathogenic.

GeneDx
Classification: Pathogenic. Last evaluated: 2024-07-08. Review status: criteria provided, single submitter. Criteria: GeneDx Variant Classification Process June 2021. Collection method: clinical testing. Allele origin: germline. Affected: yes.
Comment: Canonical splice site variant predicted to result in a null allele in a gene for which loss of function is a known mechanism of disease; Not observed in large population cohorts (gnomAD); Has not been previously published as pathogenic or benign to our knowledge

Literature cited by the submitters: PubMed 16199547 (cited by Labcorp Genetics (formerly Invitae), Labcorp); PubMed 11288717 (cited by Labcorp Genetics (formerly Invitae), Labcorp); PubMed 15077201 (cited by Labcorp Genetics (formerly Invitae), Labcorp).

NM_000089.4(COL1A2):c.1503+1G>C

Gene: COL1A2 (collagen type I alpha 2 chain; plus strand). Cytogenetic location: 7q21.3.
Variant type: single nucleotide variant.
Coding change: c.1503+1G>C on transcript NM_000089.4 (MANE Select); the canonical splice donor site of the intron after coding-DNA position 1503, G replaced by C.
Molecular consequence: splice donor variant.
Genome position (GRCh38, 1-based): chr7:94,412,683, G>C. VCF-style: chr7-94412683-G-C. GRCh37 (hg19) VCF-style: chr7-94041995-G-C.
Identifiers: ClinVar variation 456807 (VCV000456807.12), dbSNP rs1554396615, ClinGen allele CA368221978.